The following is an entry in ClinVar:

NM_004247.4(EFTUD2):c.1513C>T (p.Gln505Ter)

Gene: EFTUD2 (elongation factor Tu GTP binding domain containing 2; minus strand). Cytogenetic location: 17q21.31.
Variant type: single nucleotide variant.
Coding change: c.1513C>T on transcript NM_004247.4 (MANE Select); coding-DNA position 1513, C replaced by T.
Protein change: p.Gln505Ter; replaces glutamine 505 with a stop codon.
Molecular consequence: nonsense.
Genome position (GRCh38, 1-based): chr17:44,862,807, G>A on the plus strand (C>T on the coding strand, the complement: EFTUD2 is on the minus strand). VCF-style: chr17-44862807-G-A. GRCh37 (hg19) VCF-style: chr17-42940175-G-A.
Other names: c.1408C>T, p.Gln470Ter (NM_001142605.2); c.1513C>T, p.Gln505Ter (NM_001258353.2); c.1483C>T, p.Gln495Ter (NM_001258354.2); short protein forms Q470*, Q505*, Q495*.
Identifiers: ClinVar variation 2100276 (VCV002100276.4), dbSNP rs76519865, ClinGen allele CA399813791.
Genomic context (GRCh38, chr17:44,862,807, plus strand): 5'-ATATCTGGGAGTCTTCCTCATCCTCCAGGGTGTAGTTCTCCCCCAGTACCTTCACAGGCT[G>A]CCCAGCATGAATGGTGCCACTCAGCACCCGGCCAAAGGCGTGAAACTGGACTCCATCATC-3'

ClinVar aggregate classification (germline): Pathogenic (1 of 4 stars; one submission).

Submission:

Labcorp Genetics (formerly Invitae), Labcorp
Classification: Pathogenic. Last evaluated: 2022-02-20. Review status: criteria provided, single submitter. Criteria: Invitae Variant Classification Sherloc (09022015). Collection method: clinical testing. Allele origin: germline.
Comment: For these reasons, this variant has been classified as Pathogenic. This variant has not been reported in the literature in individuals affected with EFTUD2-related conditions. This variant is not present in population databases (gnomAD no frequency). This sequence change creates a premature translational stop signal (p.Gln505*) in the EFTUD2 gene. It is expected to result in an absent or disrupted protein product. Loss-of-function variants in EFTUD2 are known to be pathogenic (PMID: 24999515, 26507355).

Literature cited by the submitters: PubMed 24999515; PubMed 26507355.